The following is an entry in ClinVar:

NM_001457.4(FLNB):c.5339dup (p.Asp1781fs)

Gene: FLNB (filamin B; plus strand). Cytogenetic location: 3p14.3.
Variant type: Duplication.
Coding change: c.5339dup on transcript NM_001457.4 (MANE Select); coding-DNA position 5339, one base duplicated (A; older notation c.5339dupA).
Protein change: p.Asp1781fs; shifts the reading frame from aspartic acid 1781.
Molecular consequence: frameshift variant.
Genome position (GRCh38, 1-based): chr3:58,143,527, A duplicated; the last of 2 consecutive A bases (chr3:58,143,526-58,143,527); duplicating either gives the same sequence. VCF-style (leftmost placement, unchanged base first): chr3-58143525-C-CA. GRCh37 (hg19) VCF-style: chr3-58129252-C-CA.
Other names: c.5432dup, p.Asp1812fs (NM_001164317.2); c.5306dup, p.Asp1770fs (NM_001164318.2); c.5267dup, p.Asp1757fs (NM_001164319.2); short protein forms D1757fs, D1770fs, D1781fs, D1812fs.
Identifiers: ClinVar variation 2630987 (VCV002630987.2), dbSNP rs2471190195, ClinGen allele CA2695197929.

ClinVar aggregate classification (germline): Likely pathogenic (1 of 4 stars; one submission).

Conditions:
FLNB-related disorder. Also called: FLNB-related condition; FLNB-related disorders. Identifiers: MedGen CN381095.

Submission:

PreventionGenetics, part of Exact Sciences
Classification: Likely pathogenic for FLNB-related condition. Last evaluated: 2025-09-03. Review status: criteria provided, single submitter. Criteria: ACMG Guidelines, 2015. Collection method: clinical testing. Allele origin: germline.
Comment: The FLNB c.5339dupA variant is predicted to result in a frameshift and premature protein termination (p.Asp1781Glyfs*7). To our knowledge, this variant has not been reported in the literature or in a large population database (gnomAD), indicating this variant is rare. Frameshift variants in FLNB are expected to be pathogenic. This variant is interpreted as likely pathogenic.